The following is an entry in ClinVar:

NM_000089.4(COL1A2):c.1793G>T (p.Gly598Val)

Gene: COL1A2 (collagen type I alpha 2 chain; plus strand). Cytogenetic location: 7q21.3.
Variant type: single nucleotide variant.
Coding change: c.1793G>T on transcript NM_000089.4 (MANE Select); coding-DNA position 1793, G replaced by T.
Protein change: p.Gly598Val; replaces glycine 598 with valine.
Molecular consequence: missense variant.
Genome position (GRCh38, 1-based): chr7:94,416,433, G>T. VCF-style: chr7-94416433-G-T. GRCh37 (hg19) VCF-style: chr7-94045745-G-T.
Other names: short protein forms G598V.
Identifiers: ClinVar variation 3602910 (VCV003602910.1).

ClinVar aggregate classification (germline): Pathogenic (1 of 4 stars; one submission).

Submission:

GeneDx
Classification: Pathogenic. Last evaluated: 2024-08-05. Review status: criteria provided, single submitter. Criteria: GeneDx Variant Classification Process June 2021. Collection method: clinical testing. Allele origin: germline. Affected: yes.
Comment: Occurs in the triple helical domain and replaces a glycine in a canonical Gly-X-Y repeat; missense substitution of a canonical glycine residue is expected to disrupt normal protein folding and function, and this is an established mechanism of disease (PMID: 34007986); In silico analysis supports that this missense variant has a deleterious effect on protein structure/function; Not observed at significant frequency in large population cohorts (gnomAD); This variant is associated with the following publications: (PMID: 34007986, 17078022)